The following is an entry in ClinVar:

ClinVar aggregate classification (germline): Likely pathogenic (1 of 4 stars; one submission).

Conditions:
Wolfram syndrome 1 (WFS1). Identifiers: Orphanet 3463, MedGen C4551693, MONDO:0009101, OMIM 222300.

Allele frequency attached by ClinVar (database versions not stated): ExAC 0.00003.
gnomAD v4.1: 1 of 1,586,222 alleles (0.000063%); highest among the groups gnomAD compares: South Asian, 0.0012%; no homozygotes.

Submission:

Clinical Genomics, Uppaluri K&H Personalized Medicine Clinic
Classification: Likely pathogenic for Wolfram syndrome 1. Review status: criteria provided, single submitter. Criteria: K & H Uppaluri Personalized Medicine Clinic Variant Classification & Assertion Criteria_Updated V.1. Collection method: research. Allele origin: unknown. Inheritance: Autosomal recessive inheritance.
Comment: Potent mutations in WFS1 gene are associated with Wolfram's syndrome, an autosomal recessive condition, which cause diabetes mellitus, diabetes insipidus, deafness and optic atrophy. However no sufficient evidence is found to ascertain the role of this particular variant rs774330485 in Wolfram's syndrome yet.

Literature cited by the submitters: PubMed 20738327; PubMed 33879153; PubMed 12955714; PubMed 18060660; PubMed 20301750; PubMed 17603484.

NM_006005.3(WFS1):c.115G>T (p.Glu39Ter)

Gene: WFS1 (wolframin ER transmembrane glycoprotein; plus strand). Cytogenetic location: 4p16.1.
Variant type: single nucleotide variant.
Coding change: c.115G>T on transcript NM_006005.3 (MANE Select); coding-DNA position 115, G replaced by T.
Protein change: p.Glu39Ter; replaces glutamic acid 39 with a stop codon.
Molecular consequence: nonsense.
Genome position (GRCh38, 1-based): chr4:6,277,570, G>T. VCF-style: chr4-6277570-G-T. GRCh37 (hg19) VCF-style: chr4-6279297-G-T.
Other names: c.115G>T, p.Glu39Ter (NM_001145853.1); short protein forms E39*.
Identifiers: ClinVar variation 1810331 (VCV001810331.1), dbSNP rs774330485, ClinGen allele CA2838799.
Genomic context (GRCh38, chr4:6,277,570, plus strand): 5'-CCGCAGCCCCAGGCGCGTTCCCGACTCAATGCCACAGCCTCGTTGGAGCAGGAGAGGAGC[G>T]AAAGGCCCCGAGCACCCGGACCCCAGGCTGGCCCTGGCCCTGGTGTTAGAGACGCAGCGG-3'